The following is an entry in ClinVar:

ClinVar aggregate classification (germline): Uncertain significance (1 of 4 stars; one submission).

Conditions:
MCTP2-related disorder. Also called: MCTP2-related condition.

gnomAD v4.1: 1 of 1,613,790 alleles (0.000062%); highest among the groups gnomAD compares: Non-Finnish European, 0.000085%; no homozygotes.

Submission:

PreventionGenetics, part of Exact Sciences
Classification: Uncertain significance for MCTP2-related condition. Last evaluated: 2022-11-15. Review status: criteria provided, single submitter. Criteria: ACMG Guidelines, 2015. Collection method: clinical testing. Allele origin: germline.
Comment: The MCTP2 c.1273A>T variant is predicted to result in the amino acid substitution p.Asn425Tyr. To our knowledge, this variant has not been reported in the literature or in a large population database, indicating this variant is rare. At this time, the clinical significance of this variant is uncertain due to the absence of conclusive functional and genetic evidence.

NM_001385001.1(MCTP2):c.1273A>T (p.Asn425Tyr)

Gene: MCTP2 (multiple C2 and transmembrane domain containing 2; plus strand). Cytogenetic location: 15q26.2.
Variant type: single nucleotide variant.
Coding change: c.1273A>T on transcript NM_001385001.1 (MANE Select); coding-DNA position 1273, A replaced by T.
Protein change: p.Asn425Tyr; replaces asparagine 425 with tyrosine.
Molecular consequence: missense variant. On other transcripts: non-coding transcript variant (7).
Genome position (GRCh38, 1-based): chr15:94,358,584, A>T. VCF-style: chr15-94358584-A-T. GRCh37 (hg19) VCF-style: chr15-94901813-A-T.
Other names: c.1273A>T, p.Asn425Tyr (NM_001159643.2, NM_001385002.1, NM_001385003.1 and 5 more transcripts); c.37A>T, p.Asn13Tyr (NM_001159644.2); c.991A>T, p.Asn331Tyr (NM_001385007.1); c.775A>T, p.Asn259Tyr (NM_001385009.1, NM_001385010.1); c.955A>T, p.Asn319Tyr (NM_001385011.1); short protein forms N13Y, N259Y, N319Y, N331Y, N425Y.
Identifiers: ClinVar variation 2637374 (VCV002637374.1), dbSNP rs1180966060, ClinGen allele CA393909523.